The following is an entry in ClinVar:

NM_003098.3(SNTA1):c.992G>T (p.Arg331Leu)

Gene: SNTA1 (syntrophin alpha 1; minus strand). Cytogenetic location: 20q11.21.
Variant type: single nucleotide variant.
Coding change: c.992G>T on transcript NM_003098.3 (MANE Select); coding-DNA position 992, G replaced by T.
Protein change: p.Arg331Leu; replaces arginine 331 with leucine.
Molecular consequence: missense variant.
Genome position (GRCh38, 1-based): chr20:33,412,344, C>A on the plus strand (G>T on the coding strand, the complement: SNTA1 is on the minus strand). VCF-style: chr20-33412344-C-A. GRCh37 (hg19) VCF-style: chr20-32000150-C-A.
Other names: c.992G>T, p.Arg331Leu (NM_001424413.1, NM_001424414.1); short protein forms R331L.
Identifiers: ClinVar variation 4614956 (VCV004614956.1).

ClinVar aggregate classification (germline): Uncertain significance (1 of 4 stars; one submission).

Conditions:
Cardiovascular phenotype. Identifiers: MedGen CN230736.

gnomAD v4.1: 6 of 1,611,438 alleles (0.00037%); highest among the groups gnomAD compares: Middle Eastern, 0.017%; no homozygotes.

Submission:

Ambry Genetics
Classification: Uncertain significance for Cardiovascular phenotype. Last evaluated: 2025-10-27. Review status: criteria provided, single submitter. Criteria: Ambry Variant Classification Scheme 2023. Collection method: clinical testing. Allele origin: germline.
Comment: The p.R331L variant (also known as c.992G>T), located in coding exon 5 of the SNTA1 gene, results from a G to T substitution at nucleotide position 992. The arginine at codon 331 is replaced by leucine, an amino acid with dissimilar properties. This amino acid position is conserved. In addition, this alteration is predicted to be tolerated by in silico analysis. Based on the available evidence, the clinical significance of this variant remains unclear.